The following is an entry in ClinVar:

NM_005732.4(RAD50):c.1238_1241del (p.Gln413fs)

Gene: RAD50 (RAD50 double strand break repair protein; plus strand). Cytogenetic location: 5q31.1.
Variant type: Deletion.
Coding change: c.1238_1241del on transcript NM_005732.4 (MANE Select); coding-DNA positions 1238 to 1241, 4 bases deleted (AACT; older notation c.1238_1241delAACT).
Protein change: p.Gln413fs; shifts the reading frame from glutamine 413.
Molecular consequence: frameshift variant.
Genome position (GRCh38, 1-based): chr5:132,588,873-132,588,876, AACT deleted. VCF-style (leftmost placement, unchanged base first): chr5-132588872-CAACT-C. GRCh37 (hg19) VCF-style: chr5-131924564-CAACT-C.
Other names: short protein forms Q413fs.
Identifiers: ClinVar variation 834660 (VCV000834660.11), dbSNP rs1750646869, ClinGen allele CA916082764.

ClinVar aggregate classification (germline): Pathogenic/Likely pathogenic. Review status: criteria provided, multiple submitters, no conflicts (2 of 4 stars). 3 submissions from 3 submitters: Pathogenic (1); Likely pathogenic (2). Last evaluated 2026-04-27.

Conditions:
Hereditary cancer-predisposing syndrome. Also called: Neoplastic Syndromes, Hereditary; Hereditary neoplastic syndrome; Tumor predisposition; Hereditary Cancer Syndrome. Identifiers: Orphanet 140162, MedGen C0027672, MeSH D009386, MONDO:0015356.
Nijmegen breakage syndrome-like disorder (NBSLD). Also called: MICROCEPHALY AND SPONTANEOUS CHROMOSOME INSTABILITY WITHOUT IMMUNODEFICIENCY; NBS-LIKE DISORDER; RAD50 DEFICIENCY. Identifiers: Orphanet 240760, MedGen C2751318, MONDO:0013118, OMIM 613078.

Submissions (3):

Dasa
Classification: Likely pathogenic. Last evaluated: 2026-04-27. Review status: criteria provided, single submitter. Criteria: DASA Assertion Criteria. Collection method: clinical testing. Allele origin: germline.
Comment: NM_005732.4(RAD50):c.1238_1241del (p.Gln413Argfs*2) is a frameshift variant in RAD50 predicted to alter the reading frame and introduce a premature termination codon and is predicted to result in an absent or altered protein product. Loss of function is an established disease mechanism for RAD50-associated disorders. Also, this variant is rare in population databases. Based on the currently available evidence, this variant is classified as likely pathogenic.

Labcorp Genetics (formerly Invitae), Labcorp
Classification: Pathogenic for Hereditary cancer-predisposing syndrome. Last evaluated: 2021-09-10. Review status: criteria provided, single submitter. Criteria: Invitae Variant Classification Sherloc (09022015). Collection method: clinical testing. Allele origin: germline.
Comment: For these reasons, this variant has been classified as Pathogenic. This sequence change creates a premature translational stop signal (p.Gln413Argfs*2) in the RAD50 gene. It is expected to result in an absent or disrupted protein product. Loss-of-function variants in RAD50 are known to be pathogenic (PMID: 19409520). This variant is not present in population databases (ExAC no frequency). This variant has not been reported in the literature in individuals affected with RAD50-related conditions. ClinVar contains an entry for this variant (Variation ID: 834660).

Baylor Genetics
Classification: Likely pathogenic for Nijmegen breakage syndrome-like disorder. Last evaluated: 2021-01-05. Review status: criteria provided, single submitter. Criteria: ACMG Guidelines, 2015. Collection method: clinical testing. Allele origin: unknown.

Literature cited by the submitters: PubMed 19409520 (cited by Labcorp Genetics (formerly Invitae), Labcorp).